The following is an entry in ClinVar:

ClinVar aggregate classification (germline): Uncertain significance (1 of 4 stars; one submission).

Allele frequency attached by ClinVar (database versions not stated): ExAC 0.00002; gnomAD exomes 0.00002; gnomAD 0.00003; TOPMed 0.00003; ESP Exome Variant Server 0.00008.
gnomAD v4.1: 34 of 1,614,048 alleles (0.0021%); highest among the groups gnomAD compares: Non-Finnish European, 0.0027%; no homozygotes.

Submission:

Labcorp Genetics (formerly Invitae), Labcorp
Classification: Uncertain significance. Last evaluated: 2022-11-01. Review status: criteria provided, single submitter. Criteria: Invitae Variant Classification Sherloc (09022015). Collection method: clinical testing. Allele origin: germline.
Comment: In summary, the available evidence is currently insufficient to determine the role of this variant in disease. Therefore, it has been classified as a Variant of Uncertain Significance. Advanced modeling of protein sequence and biophysical properties (such as structural, functional, and spatial information, amino acid conservation, physicochemical variation, residue mobility, and thermodynamic stability) performed at Invitae indicates that this missense variant is expected to disrupt SLC24A5 protein function. This variant has not been reported in the literature in individuals affected with SLC24A5-related conditions. This variant is present in population databases (rs368920722, gnomAD 0.006%). This sequence change replaces serine, which is neutral and polar, with asparagine, which is neutral and polar, at codon 99 of the SLC24A5 protein (p.Ser99Asn).

NM_205850.3(SLC24A5):c.296G>A (p.Ser99Asn)

Gene: SLC24A5 (solute carrier family 24 member 5; plus strand). Cytogenetic location: 15q21.1.
Variant type: single nucleotide variant.
Coding change: c.296G>A on transcript NM_205850.3 (MANE Select); coding-DNA position 296, G replaced by A.
Protein change: p.Ser99Asn; replaces serine 99 with asparagine.
Molecular consequence: missense variant.
Genome position (GRCh38, 1-based): chr15:48,122,031, G>A. VCF-style: chr15-48122031-G-A. GRCh37 (hg19) VCF-style: chr15-48414228-G-A.
Other names: short protein forms S99N.
Identifiers: ClinVar variation 2174993 (VCV002174993.2), dbSNP rs368920722, ClinGen allele CA7545801.
Genomic context (GRCh38, chr15:48,122,031, plus strand): 5'-TGTTCATGGCCATATCTATTGTCTGTGATGAATACTTCCTACCCTCCCTGGAAATCATCA[G>A]TGAATGTAAGTGGCTGGAAAGTTGCCCTGTAACCTTCTGGGAGAGTGTGCCACACAGATA-3'
Protein context (NP_995322.1, residues 89-109): EYFLPSLEII[Ser99Asn]ESLGLSQDVA